The following is an entry in ClinVar:

NM_173689.7(CRB2):c.1266del (p.Ser421_Tyr422insTer)

Gene: CRB2 (crumbs cell polarity complex component 2; plus strand). Cytogenetic location: 9q33.3.
Variant type: Deletion.
Coding change: c.1266del on transcript NM_173689.7 (MANE Select); coding-DNA position 1266, one base deleted (C; older notation c.1266delC).
Protein change: p.Ser421_Tyr422insTer.
Molecular consequence: nonsense. On other transcripts: non-coding transcript variant (1).
Genome position (GRCh38, 1-based): chr9:123,370,319, C deleted. VCF-style (leftmost placement, unchanged base first): chr9-123370318-AC-A. GRCh37 (hg19) VCF-style: chr9-126132597-AC-A.
Identifiers: ClinVar variation 2772517 (VCV002772517.3), dbSNP rs2550684541, ClinGen allele CA2697558028.

ClinVar aggregate classification (germline): Pathogenic (1 of 4 stars; one submission).

Submission:

Labcorp Genetics (formerly Invitae), Labcorp
Classification: Pathogenic. Last evaluated: 2024-04-10. Review status: criteria provided, single submitter. Criteria: Invitae Variant Classification Sherloc (09022015). Collection method: clinical testing. Allele origin: germline.
Comment: This sequence change creates a premature translational stop signal (p.Tyr422*) in the CRB2 gene. It is expected to result in an absent or disrupted protein product. Loss-of-function variants in CRB2 are known to be pathogenic (PMID: 27942854, 30212996). This variant is not present in population databases (gnomAD no frequency). This variant has not been reported in the literature in individuals affected with CRB2-related conditions. For these reasons, this variant has been classified as Pathogenic.

Literature cited by the submitters: PubMed 27942854; PubMed 30212996.